The following is an entry in ClinVar:

ClinVar aggregate classification (germline): Uncertain significance (1 of 4 stars; one submission).

Conditions:
Colorectal cancer, hereditary nonpolyposis, type 7. Identifiers: Orphanet 144, MedGen C1858380, MONDO:0013725, OMIM 614385.

Submission:

Labcorp Genetics (formerly Invitae), Labcorp
Classification: Uncertain significance for Colorectal cancer, hereditary nonpolyposis, type 7. Last evaluated: 2022-06-13. Review status: criteria provided, single submitter. Criteria: Invitae Variant Classification Sherloc (09022015). Collection method: clinical testing. Allele origin: germline.
Comment: In summary, the available evidence is currently insufficient to determine the role of this variant in disease. Therefore, it has been classified as a Variant of Uncertain Significance. Algorithms developed to predict the effect of missense changes on protein structure and function are either unavailable or do not agree on the potential impact of this missense change (SIFT: "Deleterious"; PolyPhen-2: "Probably Damaging"; Align-GVGD: "Class C0"). ClinVar contains an entry for this variant (Variation ID: 1025962). This variant has not been reported in the literature in individuals affected with MLH3-related conditions. This variant is not present in population databases (gnomAD no frequency). This sequence change replaces arginine, which is basic and polar, with threonine, which is neutral and polar, at codon 159 of the MLH3 protein (p.Arg159Thr).

NM_001040108.2(MLH3):c.476G>C (p.Arg159Thr)

Gene: MLH3 (mutL homolog 3; minus strand). Cytogenetic location: 14q24.3.
Variant type: single nucleotide variant.
Coding change: c.476G>C on transcript NM_001040108.2 (MANE Select); coding-DNA position 476, G replaced by C.
Protein change: p.Arg159Thr; replaces arginine 159 with threonine.
Molecular consequence: missense variant.
Genome position (GRCh38, 1-based): chr14:75,049,180, C>G on the plus strand (G>C on the coding strand, the complement: MLH3 is on the minus strand). VCF-style: chr14-75049180-C-G. GRCh37 (hg19) VCF-style: chr14-75515883-C-G.
Other names: c.476G>C, p.Arg159Thr (NM_014381.3); short protein forms R159T.
Identifiers: ClinVar variation 1025962 (VCV001025962.8), dbSNP rs1892489444, ClinGen allele CA390450104.